The following is an entry in ClinVar:

ClinVar aggregate classification (germline): Pathogenic. Review status: criteria provided, multiple submitters, no conflicts (2 of 4 stars). 2 submissions from 2 submitters: Pathogenic (2). Last evaluated 2023-12-20.

Conditions:
CUL3-related disorder. Also called: CUL3-related disorders; CUL3-related condition.
Pseudohypoaldosteronism type 2E (PHA2E). Also called: Pseudohypoaldosteronism Type IIE. Identifiers: Orphanet 300530, Orphanet 757, MedGen C3469606, MONDO:0013782, OMIM 614496.

Submissions (2):

Victorian Clinical Genetics Services, Murdoch Childrens Research Institute
Classification: Pathogenic for Pseudohypoaldosteronism type 2E. Last evaluated: 2023-12-20. Review status: criteria provided, single submitter. Criteria: ACMG Guidelines, 2015. Collection method: clinical testing. Allele origin: germline. Inheritance: Autosomal dominant inheritance.
Comment: Based on the classification scheme VCGS_Germline_v1.3.4, this variant is classified as Pathogenic. Following criteria are met: 0102 - Loss of function is a known mechanism of disease in this gene and is associated with neurodevelopmental disorder with or without autism or seizures (MIM#619239). Other variants that result in the skipping of exon 9 are associated with pseudohypoaldosteronism (MIM#614496) due to CUL3 dysfunction; however, the exact mechanism of disease for this condition is unknown (PMID: 29361671). (I) 0107 - This gene is associated with autosomal dominant disease. (I) 0115 - Variants in this gene are known to have variable expressivity and are associated with neurodevelopmental disorder with or without autism or seizures (OMIM). (I) 0210 - Splice site variant proven to affect splicing of the transcript with a known effect on protein sequence. RT-PCR of an affected individual's cDNA has proven this variant causes inframe exon 9 skipping (PMID: 32619053). (SP) 0251 - This variant is heterozygous. (I) 0301 - Variant is absent from gnomAD (both v2 and v3). (SP) 0600 - Variant results in the loss of part of the annotated cullin repeat domain (DECIPHER). (I) 0701 - Other variants comparable to the one identified in this case have very strong previous evidence for pathogenicity. Multiple splice variants functionally proven to result in exon 9 skipping have been reported in individuals with pseudohypoaldosteronism, type IIE (PHA2E). In some of these individuals, the variant was reported to be de novo (PMID: 22266938, PMID: 32619053, PMID: 32341456). (SP) 0802 - This variant has moderate previous evidence of pathogenicity in unrelated individuals. This variant has been observed in siblings with hyperkalemia and metabolic acidosis (PMID: 32619053), and in two unrelated individuals with hyperkalemia and metabolic acidosis where the variant was proven de novo in one of these individuals (BluePrint Genomics, personal communication). (I) Legend: (SP) - Supporting pathogenic, (I) - Information, (SB) - Supporting benign

Blueprint Genetics
Classification: Pathogenic for CUL3-related disorders. Last evaluated: 2021-12-22. Review status: criteria provided, single submitter. Criteria: ACMG Guidelines, 2015. Collection method: clinical testing. Allele origin: germline. Affected: yes. Observed: 3 variant alleles.

Literature cited by the submitters: PubMed 22266938 (cited by Victorian Clinical Genetics Services, Murdoch Childrens Research Institute); PubMed 29361671 (cited by Victorian Clinical Genetics Services, Murdoch Childrens Research Institute); PubMed 32341456 (cited by Victorian Clinical Genetics Services, Murdoch Childrens Research Institute); PubMed 32619053 (cited by Victorian Clinical Genetics Services, Murdoch Childrens Research Institute).

NM_003590.5(CUL3):c.1312A>G (p.Arg438Gly)

Gene: CUL3 (cullin 3; minus strand). Cytogenetic location: 2q36.2.
Variant type: single nucleotide variant.
Coding change: c.1312A>G on transcript NM_003590.5 (MANE Select); coding-DNA position 1312, A replaced by G.
Protein change: p.Arg438Gly; replaces arginine 438 with glycine.
Molecular consequence: missense variant.
Genome position (GRCh38, 1-based): chr2:224,503,717, T>C on the plus strand (A>G on the coding strand, the complement: CUL3 is on the minus strand). VCF-style: chr2-224503717-T-C. GRCh37 (hg19) VCF-style: chr2-225368434-T-C.
Other names: c.1114A>G, p.Arg372Gly (NM_001257197.2); c.1330A>G, p.Arg444Gly (NM_001257198.2); short protein forms R372G, R438G, R444G.
Identifiers: ClinVar variation 3254545 (VCV003254545.2), dbSNP rs2469974393.